The following is an entry in ClinVar:

NM_001370259.2(MEN1):c.263C>A (p.Ala88Asp)

Gene: MEN1 (menin 1; minus strand). Cytogenetic location: 11q13.1.
Variant type: single nucleotide variant.
Coding change: c.263C>A on transcript NM_001370259.2 (MANE Select); coding-DNA position 263, C replaced by A.
Protein change: p.Ala88Asp; replaces alanine 88 with aspartic acid.
Molecular consequence: missense variant. On other transcripts: non-coding transcript variant (4).
Genome position (GRCh38, 1-based): chr11:64,809,847, G>T on the plus strand (C>A on the coding strand, the complement: MEN1 is on the minus strand). VCF-style: chr11-64809847-G-T. GRCh37 (hg19) VCF-style: chr11-64577319-G-T.
Other names: c.263C>A, p.Ala88Asp (NM_000244.4, NM_001370251.2, NM_001370260.2 and 20 more transcripts); short protein forms A88D.
Identifiers: ClinVar variation 2814865 (VCV002814865.3), dbSNP rs2136187287, ClinGen allele CA381187531.

ClinVar aggregate classification (germline): Uncertain significance (1 of 4 stars; one submission).

Conditions:
Multiple endocrine neoplasia, type 1 (MEN1). Also called: MEN I; WERMER SYNDROME; Endocrine adenomatosis multiple; MEN 1; MEA I. Identifiers: Orphanet 652, MedGen C0025267, MeSH D018761, MONDO:0007540, OMIM 131100.

Submission:

Labcorp Genetics (formerly Invitae), Labcorp
Classification: Uncertain significance for Multiple endocrine neoplasia, type 1. Last evaluated: 2022-11-17. Review status: criteria provided, single submitter. Criteria: Invitae Variant Classification Sherloc (09022015). Collection method: clinical testing. Allele origin: germline.
Comment: This variant is not present in population databases (gnomAD no frequency). In summary, the available evidence is currently insufficient to determine the role of this variant in disease. Therefore, it has been classified as a Variant of Uncertain Significance. Advanced modeling of protein sequence and biophysical properties (such as structural, functional, and spatial information, amino acid conservation, physicochemical variation, residue mobility, and thermodynamic stability) performed at Invitae indicates that this missense variant is expected to disrupt MEN1 protein function. This variant has not been reported in the literature in individuals affected with MEN1-related conditions. This sequence change replaces alanine, which is neutral and non-polar, with aspartic acid, which is acidic and polar, at codon 88 of the MEN1 protein (p.Ala88Asp).